The following is an entry in ClinVar:

NM_000326.5(RLBP1):c.42_44del (p.Glu15del)

Gene: RLBP1 (retinaldehyde binding protein 1; minus strand). Cytogenetic location: 15q26.1.
Variant type: Deletion.
Coding change: c.42_44del on transcript NM_000326.5 (MANE Select); coding-DNA positions 42 to 44, 3 bases deleted (GGA; older notation c.42_44delGGA).
Protein change: p.Glu15del; deletes glutamic acid 15.
Molecular consequence: inframe deletion.
Genome position (GRCh38, 1-based): chr15:89,218,662-89,218,664, TCC deleted on the plus strand (GGA on the coding strand, the reverse complement: RLBP1 is on the minus strand); deleting any 3 consecutive bases within chr15:89,218,662-89,218,666 gives the same sequence; the c. name uses the placement nearest the transcript's 3' end. VCF-style (leftmost placement, unchanged base first): chr15-89218661-TTCC-T. GRCh37 (hg19) VCF-style: chr15-89761892-TTCC-T.
Other names: short protein forms E15del.
Identifiers: ClinVar variation 1932863 (VCV001932863.5), dbSNP rs2051602260, ClinGen allele CA972589236.
Genomic context (GRCh38, chr15:89,218,661, plus strand): 5'-GCCAAAGACAGGTCCATGGTCCTTGGTTGTGAGCTGCTCCAGTTGGGCACGGAGCTCCTG[TTCC>T]TCTTCAGGTACCATGCGGAACGTGCCCACCTGGGCAGAGAAAGGAAAAAGAGGAACAGCC-3'

ClinVar aggregate classification (germline): Uncertain significance (1 of 4 stars; one submission).

Submission:

Labcorp Genetics (formerly Invitae), Labcorp
Classification: Uncertain significance. Last evaluated: 2022-05-28. Review status: criteria provided, single submitter. Criteria: Invitae Variant Classification Sherloc (09022015). Collection method: clinical testing. Allele origin: germline.
Comment: This variant, c.42_44del, results in the deletion of 1 amino acid(s) of the RLBP1 protein (p.Glu15del), but otherwise preserves the integrity of the reading frame. This variant is not present in population databases (gnomAD no frequency). This variant has not been reported in the literature in individuals affected with RLBP1-related conditions. Experimental studies and prediction algorithms are not available or were not evaluated, and the functional significance of this variant is currently unknown. In summary, the available evidence is currently insufficient to determine the role of this variant in disease. Therefore, it has been classified as a Variant of Uncertain Significance.